The following is an entry in ClinVar:

NM_004655.4(AXIN2):c.-7C>T

Gene: AXIN2 (axin 2; minus strand). Cytogenetic location: 17q24.1.
Variant type: single nucleotide variant.
Coding change: c.-7C>T on transcript NM_004655.4 (MANE Select); 7 bases upstream of the start codon, C replaced by T.
Molecular consequence: 5 prime UTR variant.
Genome position (GRCh38, 1-based): chr17:65,558,627, G>A on the plus strand (C>T on the coding strand, the complement: AXIN2 is on the minus strand). VCF-style: chr17-65558627-G-A. GRCh37 (hg19) VCF-style: chr17-63554745-G-A.
Other names: c.-7C>T (LRG_296t1, NM_001363813.1).
Identifiers: ClinVar variation 382299 (VCV000382299.2), dbSNP rs1057521320, ClinGen allele CA16607467.
Genomic context (GRCh38, chr17:65,558,627, plus strand): 5'-ACGGAAGCTGCTGCTGGGGTCCGGGAGGCAAGTCACCAACATAGCGCTACTCATGGTGAG[G>A]GAGCTCTTCCCACTGAGTCTGGGAATTTTTCTTCTTCCAGTTCCTCTCAGCAATCGGCGT-3'

ClinVar aggregate classification (germline): Likely benign. Review status: criteria provided, multiple submitters, no conflicts (2 of 4 stars). 2 submissions from 2 submitters: Likely benign (2). Last evaluated 2025-03-04.

Allele frequency attached by ClinVar (database versions not stated): gnomAD exomes below 0.00001.
gnomAD v4.1: 2 of 1,603,822 alleles (0.00012%); highest among the groups gnomAD compares: Non-Finnish European, 0.000085%; no homozygotes.

Submissions (2):

Center for Genomic Medicine, Rigshospitalet, Copenhagen University Hospital
Classification: Likely benign. Last evaluated: 2025-03-04. Review status: criteria provided, single submitter. Criteria: ACMG Guidelines, 2015. Collection method: clinical testing. Allele origin: germline.

GeneDx
Classification: Likely benign. Last evaluated: 2015-12-14. Review status: criteria provided, single submitter. Criteria: GeneDx Variant Classification (06012015). Collection method: clinical testing. Allele origin: germline. Affected: yes.
Comment: This variant is considered likely benign or benign based on one or more of the following criteria: it is a conservative change, it occurs at a poorly conserved position in the protein, it is predicted to be benign by multiple in silico algorithms, and/or has population frequency not consistent with disease.